The following is an entry in ClinVar:

NM_000551.4(VHL):c.638A>G (p.Asp213Gly)

Genes: VHL (von Hippel-Lindau tumor suppressor; plus strand), LOC107303340 (3p25 von Hippel-Lindau tumor suppressor, E3 ubiquitin protein ligase Alu-mediated recombination region; plus strand). Cytogenetic location: 3p25.3.
Variant type: single nucleotide variant.
Coding change: c.638A>G on transcript NM_000551.4 (MANE Select); coding-DNA position 638, A replaced by G.
Protein change: p.Asp213Gly; replaces aspartic acid 213 with glycine.
Molecular consequence: missense variant. On other transcripts: 3 prime UTR variant (1).
Genome position (GRCh38, 1-based): chr3:10,149,961, A>G. VCF-style: chr3-10149961-A-G. GRCh37 (hg19) VCF-style: chr3-10191645-A-G.
Other names: c.*192A>G (NM_001354723.2); c.515A>G, p.Asp172Gly (NM_198156.3); short protein forms D213G, D172G.
Identifiers: ClinVar variation 526684 (VCV000526684.9), dbSNP rs1553620394, ClinGen allele CA351756715.

ClinVar aggregate classification (germline): Uncertain significance (1 of 4 stars; one submission).

Conditions:
Chuvash polycythemia. Also called: POLYCYTHEMIA, VHL-DEPENDENT. Identifiers: Orphanet 238557, MedGen C1837915, MONDO:0009892, OMIM 263400.
Von Hippel-Lindau syndrome (VHLS). Also called: von Hippel–Lindau syndrome; VHL syndrome; Von Hippel-Lindau. Identifiers: Orphanet 892, MedGen C0019562, MONDO:0008667, OMIM 193300. Disease mechanism: loss of function.

Allele frequency attached by ClinVar (database versions not stated): gnomAD exomes below 0.00001.
gnomAD v4.1: 1 of 1,613,422 alleles (0.000062%); highest among the groups gnomAD compares: East Asian, 0.0022%; no homozygotes.

Submission:

Labcorp Genetics (formerly Invitae), Labcorp
Classification: Uncertain significance for Von Hippel-Lindau syndrome; Chuvash polycythemia. Last evaluated: 2024-03-09. Review status: criteria provided, single submitter. Criteria: Invitae Variant Classification Sherloc (09022015). Collection method: clinical testing. Allele origin: germline.
Comment: This sequence change replaces aspartic acid, which is acidic and polar, with glycine, which is neutral and non-polar, at codon 213 of the VHL protein (p.Asp213Gly). This variant is not present in population databases (gnomAD no frequency). This variant has not been reported in the literature in individuals affected with VHL-related conditions. ClinVar contains an entry for this variant (Variation ID: 526684). Advanced modeling of protein sequence and biophysical properties (such as structural, functional, and spatial information, amino acid conservation, physicochemical variation, residue mobility, and thermodynamic stability) performed at Invitae indicates that this missense variant is not expected to disrupt VHL protein function with a negative predictive value of 95%. RNA analysis performed to evaluate the impact of this missense change on mRNA splicing indicates it does not significantly alter splicing (Invitae). In summary, the available evidence is currently insufficient to determine the role of this variant in disease. Therefore, it has been classified as a Variant of Uncertain Significance.